The following is an entry in ClinVar:

ClinVar aggregate classification (germline): Uncertain significance (1 of 4 stars; one submission).

Submission:

Labcorp Genetics (formerly Invitae), Labcorp
Classification: Uncertain significance. Last evaluated: 2024-07-11. Review status: criteria provided, single submitter. Criteria: Invitae Variant Classification Sherloc (09022015). Collection method: clinical testing. Allele origin: germline.
Comment: This sequence change replaces threonine, which is neutral and polar, with isoleucine, which is neutral and non-polar, at codon 563 of the AMER1 protein (p.Thr563Ile). This variant is not present in population databases (gnomAD no frequency). This variant has not been reported in the literature in individuals affected with AMER1-related conditions. An algorithm developed to predict the effect of missense changes on protein structure and function (PolyPhen-2) suggests that this variant is likely to be tolerated. In summary, the available evidence is currently insufficient to determine the role of this variant in disease. Therefore, it has been classified as a Variant of Uncertain Significance.

NM_152424.4(AMER1):c.1688C>T (p.Thr563Ile)

Gene: AMER1 (APC membrane recruitment protein 1; minus strand). Cytogenetic location: Xq11.2.
Variant type: single nucleotide variant.
Coding change: c.1688C>T on transcript NM_152424.4 (MANE Select); coding-DNA position 1688, C replaced by T.
Protein change: p.Thr563Ile; replaces threonine 563 with isoleucine.
Molecular consequence: missense variant.
Genome position (GRCh38, 1-based): chrX:64,191,599, G>A on the plus strand (C>T on the coding strand, the complement: AMER1 is on the minus strand). VCF-style: chrX-64191599-G-A. GRCh37 (hg19) VCF-style: chrX-63411479-G-A.
Other names: short protein forms T563I.
Identifiers: ClinVar variation 3659288 (VCV003659288.2).